The following is an entry in ClinVar:

ClinVar aggregate classification (germline): Pathogenic (1 of 4 stars; one submission).

Submission:

Labcorp Genetics (formerly Invitae), Labcorp
Classification: Pathogenic. Last evaluated: 2022-08-05. Review status: criteria provided, single submitter. Criteria: Invitae Variant Classification Sherloc (09022015). Collection method: clinical testing. Allele origin: germline.
Comment: This variant has not been reported in the literature in individuals affected with POLG2-related conditions. Algorithms developed to predict the effect of sequence changes on RNA splicing suggest that this variant may disrupt the consensus splice site. For these reasons, this variant has been classified as Pathogenic. This sequence change creates a premature translational stop signal (p.Gln166*) in the POLG2 gene. It is expected to result in an absent or disrupted protein product. Loss-of-function variants in POLG2 are known to be pathogenic (PMID: 28078310, 29625556). This variant is not present in population databases (gnomAD no frequency).

Literature cited by the submitters: PubMed 28078310; PubMed 29625556.

NM_007215.4(POLG2):c.496C>T (p.Gln166Ter)

Genes: MILR1 (mast cell immunoglobulin like receptor 1; plus strand), POLG2 (DNA polymerase gamma 2, accessory subunit; minus strand). Cytogenetic location: 17q23.3.
Variant type: single nucleotide variant.
Coding change: c.496C>T on transcript NM_007215.4 (MANE Select); coding-DNA position 496, C replaced by T.
Protein change: p.Gln166Ter; replaces glutamine 166 with a stop codon.
Molecular consequence: nonsense.
Genome position (GRCh38, 1-based): chr17:64,496,473, G>A on the plus strand (C>T on the coding strand, the complement: POLG2 is on the minus strand). VCF-style: chr17-64496473-G-A. GRCh37 (hg19) VCF-style: chr17-62492591-G-A.
Other names: short protein forms Q166*.
Identifiers: ClinVar variation 2117271 (VCV002117271.4), dbSNP rs370683331, ClinGen allele CA400640811.